The following is an entry in ClinVar:

ClinVar aggregate classification (germline): Conflicting classifications of pathogenicity. Review status: criteria provided, conflicting classifications (1 of 4 stars). 2 submissions from 2 submitters: Uncertain significance (1); Likely benign (1). Last evaluated 2025-10-04.

Conditions:
Arrhythmogenic right ventricular dysplasia 8 (ARVD8). Also called: ARRHYTHMOGENIC RIGHT VENTRICULAR DYSPLASIA, FAMILIAL, 8; ARRHYTHMOGENIC RIGHT VENTRICULAR CARDIOMYOPATHY 8; Arrhythmogenic Right Ventricular Dysplasia/Cardiomyopathy 8. Identifiers: MedGen C1843896, MONDO:0011831, OMIM 607450.
Arrhythmogenic cardiomyopathy with wooly hair and keratoderma. Also called: Arrhythmogenic cardiomyopathy with woolly hair and keratoderma; Dilated cardiomyopathy with woolly hair and keratoderma; Carvajal syndrome; PALMOPLANTAR KERATODERMA WITH LEFT VENTRICULAR CARDIOMYOPATHY AND WOOLLY HAIR. Identifiers: Orphanet 65282, MedGen C1854063, MONDO:0011581, OMIM 605676.
Cardiovascular phenotype. Identifiers: MedGen CN230736.

Allele frequency attached by ClinVar (database versions not stated): TOPMed below 0.00001; gnomAD 0.00001.
gnomAD v4.1: 3 of 1,613,792 alleles (0.00019%); highest among the groups gnomAD compares: African/African-American, 0.0027%; no homozygotes.

Submissions (2):

Labcorp Genetics (formerly Invitae), Labcorp
Classification: Likely benign for Arrhythmogenic cardiomyopathy with wooly hair and keratoderma; Arrhythmogenic right ventricular dysplasia 8. Last evaluated: 2025-10-04. Review status: criteria provided, single submitter. Criteria: Invitae Variant Classification Sherloc (09022015). Collection method: clinical testing. Allele origin: germline.

Ambry Genetics
Classification: Uncertain significance for Cardiovascular phenotype. Last evaluated: 2024-12-14. Review status: criteria provided, single submitter. Criteria: Ambry Variant Classification Scheme 2023. Collection method: clinical testing. Allele origin: germline.
Comment: The p.I1004T variant (also known as c.3011T>C), located in coding exon 22 of the DSP gene, results from a T to C substitution at nucleotide position 3011. The isoleucine at codon 1004 is replaced by threonine, an amino acid with similar properties. This amino acid position is conserved. In addition, this alteration is predicted to be deleterious by in silico analysis. Based on the available evidence, the clinical significance of this variant remains unclear.

NM_004415.4(DSP):c.3011T>C (p.Ile1004Thr)

Gene: DSP (desmoplakin; plus strand). Cytogenetic location: 6p24.3.
Variant type: single nucleotide variant.
Coding change: c.3011T>C on transcript NM_004415.4 (MANE Select); coding-DNA position 3011, T replaced by C.
Protein change: p.Ile1004Thr; replaces isoleucine 1004 with threonine.
Molecular consequence: missense variant.
Genome position (GRCh38, 1-based): chr6:7,578,489, T>C. VCF-style: chr6-7578489-T-C. GRCh37 (hg19) VCF-style: chr6-7578722-T-C.
Other names: c.3011T>C (NM_004415.2); c.3011T>C, p.Ile1004Thr (NM_001008844.3, NM_001319034.2); short protein forms I1004T.
Identifiers: ClinVar variation 1009727 (VCV001009727.10), dbSNP rs910919703, ClinGen allele CA133965872.